The following is an entry in ClinVar:

NM_001040142.2(SCN2A):c.208C>G (p.Pro70Ala)

Gene: SCN2A (sodium voltage-gated channel alpha subunit 2; plus strand). Cytogenetic location: 2q24.3.
Variant type: single nucleotide variant.
Coding change: c.208C>G on transcript NM_001040142.2 (MANE Select); coding-DNA position 208, C replaced by G.
Protein change: p.Pro70Ala; replaces proline 70 with alanine.
Molecular consequence: missense variant.
Genome position (GRCh38, 1-based): chr2:165,296,031, C>G. VCF-style: chr2-165296031-C-G. GRCh37 (hg19) VCF-style: chr2-166152541-C-G.
Other names: c.208C>G, p.Pro70Ala (NM_001040143.2, NM_001371246.1, NM_001371247.1 and 1 more transcripts); short protein forms P70A.
Identifiers: ClinVar variation 2444809 (VCV002444809.3), dbSNP rs1559343909, ClinGen allele CA349010541.
Genomic context (GRCh38, chr2:165,296,031, plus strand): 5'-CCAAAGCCAAACAGTGACTTGGAAGCAGGAAAATCTCTTCCATTTATTTATGGAGACATT[C>G]CTCCAGAGATGGTGTCAGTGCCCCTGGAGGATCTGGACCCCTACTATATCAATAAGAAAG-3'
Protein context (NP_001035232.1, residues 60-80): KSLPFIYGDI[Pro70Ala]PEMVSVPLED

ClinVar aggregate classification (germline): Uncertain significance (1 of 4 stars; one submission).

Conditions:
Epilepsy with myoclonic atonic seizures. Also called: Generalized myoclonic-atonic seizure; Myoclonic atonic seizures. Identifiers: Orphanet 1942, MedGen C0393702, MONDO:0014633, OMIM 616421, HP:0011170.
SCN2A-related generalized epilepsy with febrile seizures plus. Identifiers: MedGen CN120574.
Autism spectrum disorder. Also called: Autism spectrum disorders. Identifiers: MedGen C1510586, MeSH D000067877, MONDO:0005258.
West syndrome. Also called: Infantile epileptic spasms syndrome. Identifiers: Orphanet 3451, Orphanet 697160, MedGen C0037769, MONDO:0018097. Disease mechanism: loss of function.
Seizures, benign familial infantile, 3 (BFIS3). Also called: CONVULSIONS, BENIGN FAMILIAL INFANTILE, 3; Familial neonatal seizures. Identifiers: Orphanet 140927, Orphanet 306, MedGen C1843140, MONDO:0011904, OMIM 607745.
Non-syndromic intellectual disability. Also called: Mental retardation non-syndromic. Identifiers: MedGen CN280315, MONDO:0000509.
Developmental and epileptic encephalopathy, 1 (DEE1). Also called: X-linked infantile spasms; West's syndrome; Tonic spasms with clustering, arrest of psychomotor development and hypsarrhythmia on EEG; X-Linked Infantile Spasm Syndrome; OHTAHARA SYNDROME, X-LINKED; INFANTILE SPASM SYNDROME, X-LINKED 1. Identifiers: MedGen C3463992, MONDO:0010632, OMIM 308350. Disease mechanism: loss of function.
Lennox-Gastaut syndrome. Also called: Epileptic encephalopathy Lennox-Gastaut type. Identifiers: Orphanet 2382, MedGen C0238111, MONDO:0016532.
Developmental and/or epileptic encephalopathy with spike-wave activation in sleep. Also called: CONTINUOUS SPIKE AND WAVES DURING SLOW-WAVE SLEEP SYNDROME; Continuous spike-wave during slow sleep syndrome. Identifiers: Orphanet 725, MedGen C5552731, MONDO:0800501.

Submission:

GeneDx
Classification: Uncertain significance. Last evaluated: 2022-09-16. Review status: criteria provided, single submitter. Criteria: GeneDx Variant Classification Process June 2021. Collection method: clinical testing. Allele origin: germline. Affected: yes.
Comment: Not observed at significant frequency in large population cohorts (gnomAD); Missense variants in this gene are often considered pathogenic (HGMD); In silico analysis supports that this missense variant has a deleterious effect on protein structure/function; Has not been previously published as pathogenic or benign to our knowledge; This substitution is predicted to be within the N-terminal cytoplasmic domain